The following is an entry in ClinVar:

ClinVar aggregate classification (germline): Uncertain significance (1 of 4 stars; one submission).

Submission:

GeneDx
Classification: Uncertain significance. Last evaluated: 2025-04-01. Review status: criteria provided, single submitter. Criteria: GeneDx Variant Classification Process June 2021. Collection method: clinical testing. Allele origin: germline. Affected: yes.
Comment: Not observed at significant frequency in large population cohorts (gnomAD); In silico analysis indicates that this missense variant does not alter protein structure/function; Has not been previously published as pathogenic or benign to our knowledge

NM_006160.4(NEUROD2):c.712C>T (p.Pro238Ser)

Gene: NEUROD2 (neuronal differentiation 2; minus strand). Cytogenetic location: 17q12.
Variant type: single nucleotide variant.
Coding change: c.712C>T on transcript NM_006160.4 (MANE Select); coding-DNA position 712, C replaced by T.
Protein change: p.Pro238Ser; replaces proline 238 with serine.
Molecular consequence: missense variant.
Genome position (GRCh38, 1-based): chr17:39,605,888, G>A on the plus strand (C>T on the coding strand, the complement: NEUROD2 is on the minus strand). VCF-style: chr17-39605888-G-A. GRCh37 (hg19) VCF-style: chr17-37762141-G-A.
Other names: short protein forms P238S.
Identifiers: ClinVar variation 4278707 (VCV004278707.1).